The following is an entry in ClinVar:

NM_001032382.2(PQBP1):c.450_453del (p.Asp150fs)

Gene: PQBP1 (polyglutamine binding protein 1; plus strand). Cytogenetic location: Xp11.23.
Variant type: Deletion.
Coding change: c.450_453del on transcript NM_001032382.2 (MANE Select); coding-DNA positions 450 to 453, 4 bases deleted (CAGA; older notation c.450_453delCAGA).
Protein change: p.Asp150fs; shifts the reading frame from aspartic acid 150.
Molecular consequence: frameshift variant. On other transcripts: intron variant (2).
Genome position (GRCh38, 1-based): chrX:48,902,390-48,902,393, CAGA deleted; deleting any 4 consecutive bases within chrX:48,902,387-48,902,393 gives the same sequence; the c. name uses the placement nearest the transcript's 3' end. VCF-style (leftmost placement, unchanged base first): chrX-48902386-TAGAC-T. GRCh37 (hg19) VCF-style: chrX-48759663-TAGAC-T.
Other names: c.450_453del, p.Asp150fs (NM_001032381.2, NM_001032383.2, NM_001032384.1 and 2 more transcripts); c.426_429del, p.Asp142fs (NM_001167990.2); c.293-342_293-339del (NM_144495.3); c.202-52_202-49del (NM_001167992.1); short protein forms D150fs, D142fs.
Identifiers: ClinVar variation 284240 (VCV000284240.7), dbSNP rs886044823, ClinGen allele CA10604729.

ClinVar aggregate classification (germline): Pathogenic/Likely pathogenic. Review status: criteria provided, multiple submitters, no conflicts (2 of 4 stars). 3 submissions from 3 submitters: Pathogenic (2); Likely pathogenic (1). Last evaluated 2024-08-24.

Submissions (3):

GeneDx
Classification: Pathogenic. Last evaluated: 2024-08-24. Review status: criteria provided, single submitter. Criteria: GeneDx Variant Classification Process June 2021. Collection method: clinical testing. Allele origin: germline. Affected: yes.
Comment: Frameshift variant predicted to result in protein truncation or nonsense mediated decay in a gene for which loss of function is a known mechanism of disease; Not observed at significant frequency in large population cohorts (gnomAD); This variant is associated with the following publications: (PMID: 31718390)

Clinical Genetics Laboratory, Skane University Hospital Lund
Classification: Likely pathogenic. Last evaluated: 2022-05-27. Review status: criteria provided, single submitter. Criteria: ACMG Guidelines, 2015. Collection method: clinical testing. Allele origin: germline. Affected: yes.

Eurofins Ntd Llc (ga)
Classification: Pathogenic. Last evaluated: 2015-11-09. Review status: criteria provided, single submitter. Criteria: EGL Classification Definitions 2015. Collection method: clinical testing. Allele origin: germline. Observed: 1 variant allele, 1 hemizygote.